The following is an entry in ClinVar:

NM_000059.4(BRCA2):c.2821G>C (p.Val941Leu)

Gene: BRCA2 (BRCA2 DNA repair associated; plus strand). Cytogenetic location: 13q13.1.
Variant type: single nucleotide variant.
Coding change: c.2821G>C on transcript NM_000059.4 (MANE Select); coding-DNA position 2821, G replaced by C.
Protein change: p.Val941Leu; replaces valine 941 with leucine.
Molecular consequence: missense variant.
Genome position (GRCh38, 1-based): chr13:32,337,176, G>C. VCF-style: chr13-32337176-G-C. GRCh37 (hg19) VCF-style: chr13-32911313-G-C.
Other names: short protein forms V941L.
Identifiers: ClinVar variation 479366 (VCV000479366.13), dbSNP rs863224586, ClinGen allele CA387773793.

ClinVar aggregate classification (germline): Conflicting classifications of pathogenicity. Review status: criteria provided, conflicting classifications (1 of 4 stars). 3 submissions from 3 submitters: Uncertain significance (2); Likely benign (1). Last evaluated 2024-09-21.

Conditions:
Hereditary cancer-predisposing syndrome. Also called: Neoplastic Syndromes, Hereditary; Hereditary Cancer Syndrome; Hereditary neoplastic syndrome; Tumor predisposition. Identifiers: Orphanet 140162, MedGen C0027672, MeSH D009386, MONDO:0015356.
Hereditary breast ovarian cancer syndrome. Also called: Hereditary breast and ovarian cancer syndrome (HBOC); Hereditary breast and ovarian cancer syndrome; Breast and ovarian cancer; BRCA1- and BRCA2-Associated Hereditary Breast and Ovarian Cancer; Hereditary breast and ovarian cancer; Hereditary breast and/or ovarian cancer syndrome. Identifiers: Orphanet 145, MedGen C0677776, MeSH D061325, MONDO:0003582. Disease mechanism: loss of function.

Submissions (3):

Ambry Genetics
Classification: Uncertain significance for Hereditary cancer-predisposing syndrome. Last evaluated: 2024-09-21. Review status: criteria provided, single submitter. Criteria: Ambry Variant Classification Scheme 2023. Collection method: clinical testing. Allele origin: germline.
Comment: The p.V941L variant (also known as c.2821G>C), located in coding exon 10 of the BRCA2 gene, results from a G to C substitution at nucleotide position 2821. The valine at codon 941 is replaced by leucine, an amino acid with highly similar properties. This amino acid position is not well conserved in available vertebrate species. In addition, this alteration is predicted to be tolerated by in silico analysis. Since supporting evidence is limited at this time, the clinical significance of this alteration remains unclear.

University of Washington Department of Laboratory Medicine, University of Washington
Classification: Likely benign for Hereditary cancer-predisposing syndrome. Last evaluated: 2023-03-23. Review status: criteria provided, single submitter. Criteria: Dines et al. (Genet Med. 2020). Collection method: curation. Allele origin: germline.
Comment: Missense variant in a coldspot region where missense variants are very unlikely to be pathogenic (PMID:31911673).

BRCA2 exon 11 coldspot. Reclassification based on statistical prior probability.

Labcorp Genetics (formerly Invitae), Labcorp
Classification: Uncertain significance for Hereditary breast ovarian cancer syndrome. Last evaluated: 2022-11-11. Review status: criteria provided, single submitter. Criteria: Invitae Variant Classification Sherloc (09022015). Collection method: clinical testing. Allele origin: germline.
Comment: This sequence change replaces valine, which is neutral and non-polar, with leucine, which is neutral and non-polar, at codon 941 of the BRCA2 protein (p.Val941Leu). This variant is not present in population databases (gnomAD no frequency). This variant has not been reported in the literature in individuals affected with BRCA2-related conditions. ClinVar contains an entry for this variant (Variation ID: 479366). Advanced modeling of protein sequence and biophysical properties (such as structural, functional, and spatial information, amino acid conservation, physicochemical variation, residue mobility, and thermodynamic stability) performed at Invitae indicates that this missense variant is not expected to disrupt BRCA2 protein function. In summary, the available evidence is currently insufficient to determine the role of this variant in disease. Therefore, it has been classified as a Variant of Uncertain Significance.